The following is an entry in ClinVar:

ClinVar aggregate classification (germline): Uncertain significance (1 of 4 stars; one submission).

gnomAD v4.1: 1 of 1,613,562 alleles (0.000062%); no homozygotes.

Submission:

Labcorp Genetics (formerly Invitae), Labcorp
Classification: Uncertain significance. Last evaluated: 2025-01-20. Review status: criteria provided, single submitter. Criteria: Invitae Variant Classification Sherloc (09022015). Collection method: clinical testing. Allele origin: germline.
Comment: This sequence change creates a premature translational stop signal (p.Leu130*) in the IL12RB2 gene. It is expected to result in an absent or disrupted protein product. However, the current clinical and genetic evidence is not sufficient to establish whether loss-of-function variants in IL12RB2 cause disease. This variant is not present in population databases (gnomAD no frequency). This variant has not been reported in the literature in individuals affected with IL12RB2-related conditions. In summary, the available evidence is currently insufficient to determine the role of this variant in disease. Therefore, it has been classified as a Variant of Uncertain Significance.

NM_001374259.2(IL12RB2):c.389T>A (p.Leu130Ter)

Gene: IL12RB2 (interleukin 12 receptor subunit beta 2; plus strand). Cytogenetic location: 1p31.3.
Variant type: single nucleotide variant.
Coding change: c.389T>A on transcript NM_001374259.2 (MANE Select); coding-DNA position 389, T replaced by A.
Protein change: p.Leu130Ter; replaces leucine 130 with a stop codon.
Molecular consequence: nonsense. On other transcripts: non-coding transcript variant (2).
Genome position (GRCh38, 1-based): chr1:67,326,759, T>A. VCF-style: chr1-67326759-T-A. GRCh37 (hg19) VCF-style: chr1-67792442-T-A.
Other names: c.389T>A, p.Leu130Ter (NM_001258216.1, NM_001319233.1, NM_001559.3 and 2 more transcripts); short protein forms L130*.
Identifiers: ClinVar variation 3729252 (VCV003729252.2).